The following is an entry in ClinVar:

NM_004793.4(LONP1):c.1086_1087dup (p.Leu363fs)

Gene: LONP1 (lon peptidase 1, mitochondrial; minus strand). Cytogenetic location: 19p13.3.
Variant type: Duplication.
Coding change: c.1086_1087dup on transcript NM_004793.4 (MANE Select); coding-DNA positions 1086 to 1087, 2 bases duplicated (CC; older notation c.1086_1087dupCC).
Protein change: p.Leu363fs; shifts the reading frame from leucine 363.
Molecular consequence: frameshift variant. On other transcripts: non-coding transcript variant (1).
Genome position (GRCh38, 1-based): chr19:5,707,119-5,707,120, GG duplicated on the plus strand (CC on the coding strand, the reverse complement: LONP1 is on the minus strand); duplicating any 2 consecutive bases within chr19:5,707,119-5,707,121 gives the same sequence; the c. name uses the placement nearest the transcript's 3' end. VCF-style (leftmost placement, unchanged base first): chr19-5707118-A-AGG. GRCh37 (hg19) VCF-style: chr19-5707129-A-AGG.
Other names: c.894_895dup, p.Leu299fs (NM_001276479.2); c.498_499dup, p.Leu167fs (NM_001276480.1); short protein forms L167fs, L299fs, L363fs.
Identifiers: ClinVar variation 2631667 (VCV002631667.1), dbSNP rs2512411453, ClinGen allele CA2695198111.
Genomic context (GRCh38, chr19:5,707,118, plus strand): 5'-ACCTCCCGCCCCAGGCGCTGCTGCAGCTTGCTCAGTTCAAATTCCTTCTTCAGCAGGGAG[A>AGG]GGGCCTTGTACAGCCGCTTAGGAATCTGCCGAGACAGGGAGGACAGAAAGGATGAGCAGA-3'

ClinVar aggregate classification (germline): Uncertain significance (1 of 4 stars; one submission).

Conditions:
LONP1-related disorder. Also called: LONP1-related condition; LONP1-related disorders.

Submission:

PreventionGenetics, part of Exact Sciences
Classification: Uncertain significance for LONP1-related condition. Last evaluated: 2023-08-24. Review status: criteria provided, single submitter. Criteria: ACMG Guidelines, 2015. Collection method: clinical testing. Allele origin: germline.
Comment: The LONP1 c.1086_1087dupCC variant is predicted to result in a frameshift and premature protein termination (p.Leu363Profs*5). To our knowledge, this variant has not been reported in the literature or in a large population database, indicating this variant is rare. At this time, the clinical significance of this variant is uncertain due to the absence of conclusive functional and genetic evidence.